The following is an entry in ClinVar:

NM_003640.5(ELP1):c.1953del (p.Leu651fs)

Gene: ELP1 (elongator acetyltransferase complex subunit 1; minus strand). Cytogenetic location: 9q31.3.
Variant type: Deletion.
Coding change: c.1953del on transcript NM_003640.5 (MANE Select); coding-DNA position 1953, one base deleted (A; older notation c.1953delA).
Protein change: p.Leu651fs; shifts the reading frame from leucine 651.
Molecular consequence: frameshift variant.
Genome position (GRCh38, 1-based): chr9:108,901,486, T deleted on the plus strand (A on the coding strand, the reverse complement: ELP1 is on the minus strand). VCF-style (leftmost placement, unchanged base first): chr9-108901485-AT-A. GRCh37 (hg19) VCF-style: chr9-111663765-AT-A.
Other names: c.1611del, p.Leu537fs (NM_001318360.2); c.906del, p.Leu302fs (NM_001330749.2); short protein forms L302fs, L537fs, L651fs.
Identifiers: ClinVar variation 5014550 (VCV005014550.1).
Genomic context (GRCh38, chr9:108,901,485, plus strand): 5'-TTTTAAATGAAGCATCCCTCAGGCAAAAACACTGGCAGGTATGGGAATGGGTTGTCAACA[AT>A]AAAAACTCATCATATACTGCAAATGACGTGATATTTGACGCAACCTGCAAGAGAAGGCCA-3'

ClinVar aggregate classification (germline): Pathogenic (1 of 4 stars; one submission).

Conditions:
Familial dysautonomia. Also called: HSAN III; FD. Identifiers: Orphanet 1764, MedGen C0013364, MONDO:0009131, OMIM 223900. Disease mechanism: loss of function.

Submission:

Myriad Genetics, Inc.
Classification: Pathogenic for Familial dysautonomia. Last evaluated: 2025-06-02. Review status: criteria provided, single submitter. Criteria: Myriad Autosomal Dominant, Autosomal Recessive and X-Linked Classification Criteria (2023). Collection method: clinical testing. Allele origin: unknown.
Comment: NM_003640.3(ELP1):c.1953delA(L651Ffs*3) is expected to be pathogenic in the context of familial dysautonomia. This variant is predicted to lead to an abnormal or absent protein product due to the creation of a premature termination codon in ELP1, a gene where loss-of-function variants are known to be pathogenic. Please note: this variant was assessed in the context of healthy population screening.